The following is an entry in ClinVar:

ClinVar aggregate classification (germline): Pathogenic/Likely pathogenic. Review status: criteria provided, multiple submitters, no conflicts (2 of 4 stars). 7 submissions from 7 submitters: Pathogenic (3); Likely pathogenic (3). 1 of the submissions does not count toward it. Last evaluated 2026-04-22.

Conditions:
Tay-Sachs disease (TSD). Also called: HEXA DEFICIENCY; GM2 gangliosidosis, type 1; Hexosaminidase alpha-subunit deficiency (variant B); Sphingolipidosis, Tay-Sachs; Hexosaminidase A Deficiency; HEXA Disorders. Identifiers: Orphanet 845, MedGen C0039373, MONDO:0010100, OMIM 272800.
TAY-SACHS DISEASE, JUVENILE. Identifiers: MedGen C1848913, OMIM 272800.

Submissions (7):

GeneDx
Classification: Pathogenic. Last evaluated: 2026-04-22. Review status: criteria provided, single submitter. Criteria: GeneDx Variant Classification Process June 2021. Collection method: clinical testing. Allele origin: germline.
Comment: Published functional studies found this variant is associated with significantly reduced enzyme activity (PMID: 1301189); Not observed at significant frequency in large population cohorts (gnomAD); In silico analysis supports that this missense variant has a deleterious effect on protein structure/function; This variant is associated with the following publications: (PMID: 22975760, 18490185, 1301189, 34288098, 35936646, 8995368)

Natera, Inc.
Classification: Likely pathogenic for Tay-Sachs disease. Last evaluated: 2024-12-19. Review status: criteria provided, single submitter. Criteria: Natera Variant Classification Schema (03/2026). Collection method: clinical testing. Allele origin: germline.
Comment: The c.749G>A variant in HEXA is a missense variant predicted to cause substitution of glycine to aspartic acid at amino acid 250. This variant is rare in the general population with a frequency below the threshold expected for the associated phenotype(s). This variant has been observed to segregate in affected family members (PMID: 1301189). Functional studies show that this variant may disrupt protein function (PMID: 1301189, 8995368). Computational prediction algorithms indicate this variant is likely to affect gene or protein function. Given the available evidence, this variant is classified as Likely Pathogenic.

3billion
Classification: Pathogenic for Tay-Sachs disease. Last evaluated: 2024-11-24. Review status: criteria provided, single submitter. Criteria: ACMG Guidelines, 2015. Collection method: clinical testing. Allele origin: germline. Affected: yes.
Comment: The variant is not observed in the gnomAD v4.1.0 dataset. Predicted Consequence/Location: Missense variant In silico tool predictions suggest damaging effect of the variant on gene or gene product [REVEL: 0.94 (>=0.6, sensitivity 0.68 and specificity 0.92); 3Cnet: 0.99 (>=0.6, sensitivity 0.72 and precision 0.9)]. The same nucleotide change resulting in the same amino acid change has been previously reported as pathogenic/likely pathogenic with strong evidence (ClinVar ID: VCV000003902 /PMID: 1301189). Different missense changes at the same codon (p.Gly250Ser, p.Gly250Val) have been reported as pathogenic/likely pathogenic with strong evidence (ClinVar ID: VCV000381668 /PMID: 10852376, 7717398). Therefore, this variant is classified as Pathogenic according to the recommendation of ACMG/AMP guideline.

Women's Health and Genetics/Laboratory Corporation of America, LabCorp
Classification: Pathogenic for Tay-Sachs disease. Last evaluated: 2024-04-18. Review status: criteria provided, single submitter. Criteria: LabCorp Variant Classification Summary - May 2015. Collection method: clinical testing. Allele origin: germline.
Comment: Variant summary: HEXA c.749G>A (p.Gly250Asp) results in a non-conservative amino acid change located in the Glycoside hydrolase family 20, catalytic domain (IPR015883) of the encoded protein sequence. Five of five in-silico tools predict a damaging effect of the variant on protein function. The variant was absent in 251484 control chromosomes. c.749G>A has been reported in the literature in multiple homozygous individuals affected with Tay-Sachs Disease (e.g. Trop_1992). These data indicate that the variant is likely to be associated with disease. At least one publication reports experimental evidence evaluating an impact on protein function. The most pronounced variant effect results in <10% of normal enzyme activity in vitro (e.g. Trop_1992). The following publication has been ascertained in the context of this evaluation (PMID: 1301189). ClinVar contains an entry for this variant (Variation ID: 3902). Based on the evidence outlined above, the variant was classified as pathogenic.

Institute of Medical Genetics and Applied Genomics, University Hospital Tübingen
Classification: Likely pathogenic for Tay-Sachs disease. Last evaluated: 2022-11-17. Review status: criteria provided, single submitter. Criteria: ACMG Guidelines, 2015. Collection method: clinical testing. Allele origin: germline. Inheritance: Autosomal recessive inheritance. Affected: yes.

Institute of Human Genetics, University of Leipzig Medical Center
Classification: Likely pathogenic for Tay-Sachs disease. Last evaluated: 2022-03-22. Review status: criteria provided, single submitter. Criteria: ACMG Guidelines, 2015. Collection method: clinical testing. Allele origin: unknown. Affected: yes.
Comment: This variant was identified as homozygous._x000D_ Criteria applied: PM3, PM5, PM2_SUP, PP3

OMIM
Classification: Pathogenic for TAY-SACHS DISEASE, JUVENILE. Last evaluated: 1992-01-01. Review status: no assertion criteria provided. Collection method: literature only. Allele origin: germline. Not counted in ClinVar's aggregate classification.

Literature cited by the submitters: PubMed 1301189 (cited by 4 submitters); PubMed 8995368 (cited by Natera, Inc.); PubMed 10852376 (cited by 3billion); Trop, I., Kaplan, F., Hechtman, P. Juvenile-onset Tay-Sachs disease in a Lebanese proband is caused by gly(250)-to-asp substitution in the alpha subunit of hexosaminidase A. (Abstract) Am. J. Hum. Genet. 47 (suppl.): A168, 1990. (cited by OMIM).

NM_000520.6(HEXA):c.749G>A (p.Gly250Asp)

Gene: HEXA (hexosaminidase subunit alpha; minus strand). Cytogenetic location: 15q23.
Variant type: single nucleotide variant.
Coding change: c.749G>A on transcript NM_000520.6 (MANE Select); coding-DNA position 749, G replaced by A.
Protein change: p.Gly250Asp; replaces glycine 250 with aspartic acid.
Molecular consequence: missense variant. On other transcripts: non-coding transcript variant (1).
Genome position (GRCh38, 1-based): chr15:72,350,574, C>T on the plus strand (G>A on the coding strand, the complement: HEXA is on the minus strand). VCF-style: chr15-72350574-C-T. GRCh37 (hg19) VCF-style: chr15-72642915-C-T.
Other names: c.782G>A, p.Gly261Asp (NM_001318825.2); c.749G>A (NM_000520.5, NM_000520.4); short protein forms G250D, G261D.
Identifiers: ClinVar variation 3902 (VCV000003902.7), dbSNP rs121907959, ClinGen allele CA116502.